The following is an entry in ClinVar:

NM_000426.4(LAMA2):c.6964del (p.Glu2322fs)

Gene: LAMA2 (laminin subunit alpha 2; plus strand). Cytogenetic location: 6q22.33.
Variant type: Deletion.
Coding change: c.6964del on transcript NM_000426.4 (MANE Select); coding-DNA position 6964, one base deleted (G; older notation c.6964delG).
Protein change: p.Glu2322fs; shifts the reading frame from glutamic acid 2322.
Molecular consequence: frameshift variant.
Genome position (GRCh38, 1-based): chr6:129,460,296, G deleted. VCF-style (leftmost placement, unchanged base first): chr6-129460295-AG-A. GRCh37 (hg19) VCF-style: chr6-129781440-AG-A.
Other names: c.6964del, p.Glu2322fs (NM_001079823.2); short protein forms E2322fs.
Identifiers: ClinVar variation 1074786 (VCV001074786.7), dbSNP rs2114801377, ClinGen allele CA2499218083.

ClinVar aggregate classification (germline): Pathogenic (1 of 4 stars; one submission).

Conditions:
LAMA2-related muscular dystrophy (LAMA2-RD). Also called: Laminin alpha 2-related dystrophy. Identifiers: MedGen C5679788, MONDO:0100228.

Submission:

Labcorp Genetics (formerly Invitae), Labcorp
Classification: Pathogenic for LAMA2-related muscular dystrophy. Last evaluated: 2025-10-02. Review status: criteria provided, single submitter. Criteria: Invitae Variant Classification Sherloc (09022015). Collection method: clinical testing. Allele origin: germline.
Comment: This sequence change creates a premature translational stop signal (p.Glu2322Lysfs*56) in the LAMA2 gene. It is expected to result in an absent or disrupted protein product. Loss-of-function variants in LAMA2 are known to be pathogenic (PMID: 18700894, 32904964). This variant is not present in population databases (gnomAD no frequency). This variant has not been reported in the literature in individuals affected with LAMA2-related conditions. ClinVar contains an entry for this variant (Variation ID: 1074786). For these reasons, this variant has been classified as Pathogenic.

Literature cited by the submitters: PubMed 18700894; PubMed 32904964.